The following is an entry in ClinVar:

NM_022437.3(ABCG8):c.1569A>G (p.Pro523=)

Gene: ABCG8 (ATP binding cassette subfamily G member 8; plus strand). Cytogenetic location: 2p21.
Variant type: single nucleotide variant.
Coding change: c.1569A>G on transcript NM_022437.3 (MANE Select); coding-DNA position 1569, A replaced by G.
Protein change: p.Pro523=; no amino-acid change (proline 523 retained).
Molecular consequence: synonymous variant.
Genome position (GRCh38, 1-based): chr2:43,875,226, A>G. VCF-style: chr2-43875226-A-G. GRCh37 (hg19) VCF-style: chr2-44102365-A-G.
Other names: c.1566A>G, p.Pro522= (NM_001357321.2).
Identifiers: ClinVar variation 336085 (VCV000336085.16), dbSNP rs575386215, ClinGen allele CA1637547.
Genomic context (GRCh38, chr2:43,875,226, plus strand): 5'-GCACTGTGCCTACATCATCATCTACGGGATGCCCACCTACTGGCTGGCCAACCTGAGGCC[A>G]GGCCTCCAGCCCTTCCTGCTGCACTTCCTGCTGGTGTGGCTGGTGGTCTTCTGTTGCAGG-3'
Protein context (NP_071882.1, residues 513-533): MPTYWLANLR[Pro523=]GLQPFLLHFL

ClinVar aggregate classification (germline): Conflicting classifications of pathogenicity. Review status: criteria provided, conflicting classifications (1 of 4 stars). 5 submissions from 5 submitters: Uncertain significance (1); Benign (1); Likely benign (2). 1 of the submissions does not count toward it. Last evaluated 2025-12-31.

Conditions:
ABCG8-related disorder. Also called: ABCG8-related condition.
Sitosterolemia 1. Identifiers: MedGen C2749759, MONDO:0020747, OMIM 210250.
Cardiovascular phenotype. Identifiers: MedGen CN230736.

Allele frequency attached by ClinVar (database versions not stated): gnomAD 0.00001 and 0.00014; TOPMed 0.00005; gnomAD exomes 0.00061; ExAC 0.00068; 1000 Genomes Project 30x 0.00094; 1000 Genomes Project 0.00120.
gnomAD v4.1: 435 of 1,614,220 alleles (0.027%); highest among the groups gnomAD compares: South Asian, 0.45%; 3 homozygotes.

Submissions (5):

Labcorp Genetics (formerly Invitae), Labcorp
Classification: Benign. Last evaluated: 2025-12-31. Review status: criteria provided, single submitter. Criteria: Invitae Variant Classification Sherloc (09022015). Collection method: clinical testing. Allele origin: germline.

Blueprint Genetics
Classification: Likely benign. Last evaluated: 2024-11-26. Review status: criteria provided, single submitter. Criteria: ACMG Guidelines, 2015. Collection method: clinical testing. Allele origin: germline.

Ambry Genetics
Classification: Likely benign for Cardiovascular phenotype. Last evaluated: 2019-07-23. Review status: criteria provided, single submitter. Criteria: Ambry Variant Classification Scheme 2023. Collection method: clinical testing. Allele origin: germline.

Illumina Laboratory Services, Illumina
Classification: Uncertain significance for Sitosterolemia 1. Last evaluated: 2018-01-12. Review status: criteria provided, single submitter. Criteria: ICSL Variant Classification Criteria 13 December 2019. Collection method: clinical testing. Allele origin: germline.

PreventionGenetics, part of Exact Sciences
Classification: Likely benign for ABCG8-related condition. Last evaluated: 2024-08-28. Review status: no assertion criteria provided. Collection method: clinical testing. Allele origin: germline. Not counted in ClinVar's aggregate classification.
Comment: This variant is classified as likely benign based on ACMG/AMP sequence variant interpretation guidelines (Richards et al. 2015 PMID: 25741868, with internal and published modifications).